The following is an entry in ClinVar:

NM_001018115.3(FANCD2):c.550G>T (p.Asp184Tyr)

Genes: FANCD2 (FA complementation group D2; plus strand), LOC107303338 (3p25 FANCD2 Alu-mediated recombination region; plus strand). Cytogenetic location: 3p25.3.
Variant type: single nucleotide variant.
Coding change: c.550G>T on transcript NM_001018115.3 (MANE Select); coding-DNA position 550, G replaced by T.
Protein change: p.Asp184Tyr; replaces aspartic acid 184 with tyrosine.
Molecular consequence: missense variant.
Genome position (GRCh38, 1-based): chr3:10,039,337, G>T. VCF-style: chr3-10039337-G-T. GRCh37 (hg19) VCF-style: chr3-10081021-G-T.
Other names: c.550G>T, p.Asp184Tyr (NM_001319984.2, NM_001374253.1, NM_001374254.1 and 2 more transcripts); short protein forms D184Y.
Identifiers: ClinVar variation 1055070 (VCV001055070.10), dbSNP rs2086806903, ClinGen allele CA351724036.
Genomic context (GRCh38, chr3:10,039,337, plus strand): 5'-AGCAAGAACAGTGATGAAATCAACATACCTCGACTCATTGTCAGTCAACTAAAATGGCTT[G>T]ACAGAGTTGTGGATGGCAAGGTAGGCTTATGGACTTTATCTCTTGAATTTAAAGAGTATG-3'
Protein context (NP_001018125.1, residues 174-194): RLIVSQLKWL[Asp184Tyr]RVVDGKDLTT

ClinVar aggregate classification (germline): Uncertain significance (1 of 4 stars; one submission).

Conditions:
Fanconi anemia (FA). Also called: Fanconi's anemia. Identifiers: Orphanet 84, MedGen C0015625, MeSH D005199, MONDO:0019391.

Allele frequency attached by ClinVar (database versions not stated): TOPMed below 0.00001.

Submission:

Labcorp Genetics (formerly Invitae), Labcorp
Classification: Uncertain significance for Fanconi anemia. Last evaluated: 2022-08-16. Review status: criteria provided, single submitter. Criteria: Invitae Variant Classification Sherloc (09022015). Collection method: clinical testing. Allele origin: germline.
Comment: In summary, the available evidence is currently insufficient to determine the role of this variant in disease. Therefore, it has been classified as a Variant of Uncertain Significance. Algorithms developed to predict the effect of missense changes on protein structure and function are either unavailable or do not agree on the potential impact of this missense change (SIFT: "Deleterious"; PolyPhen-2: "Probably Damaging"; Align-GVGD: "Class C0"). ClinVar contains an entry for this variant (Variation ID: 1055070). This variant has not been reported in the literature in individuals affected with FANCD2-related conditions. This variant is not present in population databases (gnomAD no frequency). This sequence change replaces aspartic acid, which is acidic and polar, with tyrosine, which is neutral and polar, at codon 184 of the FANCD2 protein (p.Asp184Tyr).